The following is an entry in ClinVar:

NM_001458.5(FLNC):c.5677_5682del (p.Ser1893_Leu1894del)

Genes: FLNC-AS1 (FLNC antisense RNA 1; minus strand), FLNC (filamin C; plus strand). Cytogenetic location: 7q32.1.
Variant type: Deletion.
Coding change: c.5677_5682del on transcript NM_001458.5 (MANE Select); coding-DNA positions 5677 to 5682, 6 bases deleted (TCACTG; older notation c.5677_5682delTCACTG).
Protein change: p.Ser1893_Leu1894del.
Molecular consequence: inframe deletion. On other transcripts: non-coding transcript variant (1).
Genome position (GRCh38, 1-based): chr7:128,851,463-128,851,468, TCACTG deleted; deleting any 6 consecutive bases within chr7:128,851,460-128,851,468 gives the same sequence; the c. name uses the placement nearest the transcript's 3' end. VCF-style (leftmost placement, unchanged base first): chr7-128851459-TCTGTCA-T. GRCh37 (hg19) VCF-style: chr7-128491513-TCTGTCA-T.
Other names: c.5578_5583del, p.Ser1860_Leu1861del (NM_001127487.2).
Identifiers: ClinVar variation 1021345 (VCV001021345.7), dbSNP rs1425063581, ClinGen allele CA578150569.

ClinVar aggregate classification (germline): Uncertain significance (1 of 4 stars; one submission).

Conditions:
Distal myopathy with posterior leg and anterior hand involvement. Also called: WILLIAMS DISTAL MYOPATHY. Identifiers: Orphanet 63273, MedGen C3279722, MONDO:0013550, OMIM 614065.
Hypertrophic cardiomyopathy 26. Also called: Cardiomyopathy, familial hypertrophic, 26. Identifiers: Orphanet 75249, MedGen C4310749, MONDO:0014883, OMIM 617047.
Myofibrillar myopathy 5. Also called: FILAMINOPATHY, AUTOSOMAL DOMINANT; Filaminopathy (type). Identifiers: Orphanet 171445, MedGen C1836050, MONDO:0012289, OMIM 609524.

Submission:

Labcorp Genetics (formerly Invitae), Labcorp
Classification: Uncertain significance for Distal myopathy with posterior leg and anterior hand involvement; Myofibrillar myopathy 5; Hypertrophic cardiomyopathy 26. Last evaluated: 2024-01-10. Review status: criteria provided, single submitter. Criteria: Invitae Variant Classification Sherloc (09022015). Collection method: clinical testing. Allele origin: germline.
Comment: This variant, c.5677_5682del, results in the deletion of 2 amino acid(s) of the FLNC protein (p.Ser1893_Leu1894del), but otherwise preserves the integrity of the reading frame. The frequency data for this variant in the population databases is considered unreliable, as metrics indicate poor data quality at this position in the gnomAD database. This variant has not been reported in the literature in individuals affected with FLNC-related conditions. ClinVar contains an entry for this variant (Variation ID: 1021345). Experimental studies and prediction algorithms are not available or were not evaluated, and the functional significance of this variant is currently unknown. In summary, the available evidence is currently insufficient to determine the role of this variant in disease. Therefore, it has been classified as a Variant of Uncertain Significance.